The following is an entry in ClinVar:

NM_000059.4(BRCA2):c.7674G>C (p.Glu2558Asp)

Gene: BRCA2 (BRCA2 DNA repair associated; plus strand). Cytogenetic location: 13q13.1.
Variant type: single nucleotide variant.
Coding change: c.7674G>C on transcript NM_000059.4 (MANE Select); coding-DNA position 7674, G replaced by C.
Protein change: p.Glu2558Asp; replaces glutamic acid 2558 with aspartic acid.
Molecular consequence: missense variant.
Genome position (GRCh38, 1-based): chr13:32,357,798, G>C. VCF-style: chr13-32357798-G-C. GRCh37 (hg19) VCF-style: chr13-32931935-G-C.
Other names: p.E2558D:GAG>GAC; short protein forms E2558D.
Identifiers: ClinVar variation 182242 (VCV000182242.8), dbSNP rs730881558, ClinGen allele CA025219.

ClinVar aggregate classification (germline): Uncertain significance. Review status: criteria provided, multiple submitters, no conflicts (2 of 4 stars). 4 submissions from 4 submitters: Uncertain significance (3). 1 of the submissions does not count toward it. Last evaluated 2023-07-09.

Conditions:
Hereditary breast ovarian cancer syndrome. Also called: Hereditary breast and ovarian cancer syndrome; Hereditary breast and ovarian cancer syndrome (HBOC); Hereditary breast and ovarian cancer; Breast and ovarian cancer; BRCA1- and BRCA2-Associated Hereditary Breast and Ovarian Cancer; Hereditary breast and/or ovarian cancer syndrome. Identifiers: Orphanet 145, MedGen C0677776, MeSH D061325, MONDO:0003582. Disease mechanism: loss of function.
Malignant tumor of breast. Also called: Malignant breast neoplasm; Cancer breast. Identifiers: MedGen C0006142, MONDO:0007254. Disease mechanism: loss of function.

Submissions (4):

Labcorp Genetics (formerly Invitae), Labcorp
Classification: Uncertain significance for Hereditary breast ovarian cancer syndrome. Last evaluated: 2023-07-09. Review status: criteria provided, single submitter. Criteria: Invitae Variant Classification Sherloc (09022015). Collection method: clinical testing. Allele origin: germline.
Comment: In summary, the available evidence is currently insufficient to determine the role of this variant in disease. Therefore, it has been classified as a Variant of Uncertain Significance. Advanced modeling of protein sequence and biophysical properties (such as structural, functional, and spatial information, amino acid conservation, physicochemical variation, residue mobility, and thermodynamic stability) performed at Invitae indicates that this missense variant is not expected to disrupt BRCA2 protein function. ClinVar contains an entry for this variant (Variation ID: 182242). This variant has not been reported in the literature in individuals affected with BRCA2-related conditions. This variant is not present in population databases (gnomAD no frequency). This sequence change replaces glutamic acid, which is acidic and polar, with aspartic acid, which is acidic and polar, at codon 2558 of the BRCA2 protein (p.Glu2558Asp).

Blueprint Genetics
Classification: Uncertain significance. Last evaluated: 2020-12-04. Review status: criteria provided, single submitter. Criteria: ACMG Guidelines, 2015. Collection method: clinical testing. Allele origin: germline.

GeneDx
Classification: Uncertain significance. Last evaluated: 2017-02-08. Review status: criteria provided, single submitter. Criteria: GeneDx Variant Classification (06012015). Collection method: clinical testing. Allele origin: germline. Affected: yes.
Comment: This variant is denoted BRCA2 c.7674G>C at the cDNA level, p.Glu2558Asp (E2558D) at the protein level, and results in the change of a Glutamic Acid to an Aspartic Acid (GAG>GAC). Using alternate nomenclature, this variant would be defined as BRCA2 7902G>C. This variant has not, to our knowledge, been published in the literature as pathogenic or benign. BRCA2 Glu2558Asp was not observed in approximately 6,500 individuals of European and African American ancestry in the NHLBI Exome Sequencing Project, suggesting it is not a common benign variant in these populations. Since Glutamic Acid and Aspartic Acid share similar properties, this is considered a conservative amino acid substitution. BRCA2 Glu2558Asp occurs at a position that is not conserved and is located in the DNA binding domain (Yang 2002). In silico analyses are inconsistent regarding the effect this variant may have on protein structure and function. Based on currently available evidence, it is unclear whether BRCA2 Glu2558Asp is a pathogenic or benign variant. We consider it to be a variant of uncertain significance.

Department of Pathology and Laboratory Medicine, Sinai Health System
Classification: Uncertain significance for Malignant tumor of breast. Review status: no assertion criteria provided. Collection method: clinical testing. Allele origin: unknown. Affected: yes. Observed: 1 variant allele. Study: The Canadian Open Genetics Repository (COGR). Not counted in ClinVar's aggregate classification.
Comment: The BRCA2 p.Glu2558Asp variant was identified in dbSNP (ID: rs730881558) as â€šÃ„ÃºUncertain significanceâ€šÃ„Ã¹, the ClinVar database (as uncertain significance, by GeneDx), and the Clinvitae database (as uncertain significance from ClinVar). The variant was not identified in the 1000 Genomes Project, NHLBI GO Exome Sequencing Project, the Exome Aggregation Consortium database (August 8, 2016), LOVD-IARC database, ARUP Laboratories BRCA Mutations Database, COSMIC, GeneInsight-COGR database, the BIC database, Fanconi Anemia Mutation Database (LOVD), and UMD. The p.Glu2558 residue is conserved in mammals but not more distantly related organisms and four out of five computational analyses (PolyPhen-2, SIFT, AlignGVGD, BLOSUM, MutationTaster) do not suggest a high likelihood of impact to the protein; however, this information is not predictive enough to rule out pathogenicity. The variant occurs outside of the splicing consensus sequence and 1 of 5 in silico or computational prediction software programs (SpliceSiteFinder, MaxEntScan, NNSPLICE, GeneSplicer, HumanSpliceFinder) predicts the creation of a 3â€šÃ„Ã´ splice site, however this information is not very predictive of pathogenicity. In summary, based on the above information, the clinical significance of this variant cannot be determined with certainty at this time. This variant is classified as a variant of uncertain significance.